The following is an entry in ClinVar:

ClinVar aggregate classification (germline): Uncertain significance. Review status: criteria provided, multiple submitters, no conflicts (2 of 4 stars). 3 submissions from 3 submitters: Uncertain significance (3). Last evaluated 2024-09-14.

Conditions:
Cortical dysplasia-focal epilepsy syndrome (PTHSL1). Also called: Pitt-Hopkins-like syndrome 1. Identifiers: Orphanet 163681, Orphanet 221150, MedGen C2750246, MONDO:0012400, OMIM 610042.
Inborn genetic diseases. Identifiers: MedGen C0950123, MeSH D030342.

Allele frequency attached by ClinVar (database versions not stated): gnomAD 0.00001; gnomAD exomes 0.00001; TOPMed 0.00001.
gnomAD v4.1: 5 of 1,613,738 alleles (0.00031%); highest among the groups gnomAD compares: Middle Eastern, 0.033%; no homozygotes.

Submissions (3):

Blueprint Genetics
Classification: Uncertain significance. Last evaluated: 2024-09-14. Review status: criteria provided, single submitter. Criteria: ACMG Guidelines, 2015. Collection method: clinical testing. Allele origin: germline.

Labcorp Genetics (formerly Invitae), Labcorp
Classification: Uncertain significance for Cortical dysplasia-focal epilepsy syndrome. Last evaluated: 2021-08-27. Review status: criteria provided, single submitter. Criteria: Invitae Variant Classification Sherloc (09022015). Collection method: clinical testing. Allele origin: germline.
Comment: This sequence change replaces aspartic acid with glycine at codon 748 of the CNTNAP2 protein (p.Asp748Gly). The aspartic acid residue is highly conserved and there is a moderate physicochemical difference between aspartic acid and glycine. This variant is not present in population databases (ExAC no frequency). This variant has not been reported in the literature in individuals affected with CNTNAP2-related conditions. Algorithms developed to predict the effect of missense changes on protein structure and function are either unavailable or do not agree on the potential impact of this missense change (SIFT: "Deleterious"; PolyPhen-2: "Benign"; Align-GVGD: "Class C65"). In summary, the available evidence is currently insufficient to determine the role of this variant in disease. Therefore, it has been classified as a Variant of Uncertain Significance.

Ambry Genetics
Classification: Uncertain significance for Inborn genetic diseases. Last evaluated: 2019-07-18. Review status: criteria provided, single submitter. Criteria: Ambry Variant Classification Scheme 2023. Collection method: clinical testing. Allele origin: germline.
Comment: The p.D748G variant (also known as c.2243A>G), located in coding exon 14 of the CNTNAP2 gene, results from an A to G substitution at nucleotide position 2243. The aspartic acid at codon 748 is replaced by glycine, an amino acid with similar properties. This amino acid position is highly conserved in available vertebrate species. In addition, the in silico prediction for this alteration is inconclusive. Since supporting evidence is limited at this time, the clinical significance of this alteration remains unclear.

NM_014141.6(CNTNAP2):c.2243A>G (p.Asp748Gly)

Gene: CNTNAP2 (contactin associated protein 2; plus strand). Cytogenetic location: 7q35.
Variant type: single nucleotide variant.
Coding change: c.2243A>G on transcript NM_014141.6 (MANE Select); coding-DNA position 2243, A replaced by G.
Protein change: p.Asp748Gly; replaces aspartic acid 748 with glycine.
Molecular consequence: missense variant.
Genome position (GRCh38, 1-based): chr7:147,903,709, A>G. VCF-style: chr7-147903709-A-G. GRCh37 (hg19) VCF-style: chr7-147600801-A-G.
Other names: short protein forms D748G.
Identifiers: ClinVar variation 864309 (VCV000864309.10), dbSNP rs964887613, ClinGen allele CA168786569.
Genomic context (GRCh38, chr7:147,903,709, plus strand): 5'-GTGCCTGCGGCATCGAACGCAACTGCACAGATCCCAAGTACTACTGTAACTGCGACGCGG[A>G]CTACAAGCAATGGTGAGTGCCTGCGGGCAGCACAGCCAGGCTCACCCTCCCAGTGTGCCT-3'
Protein context (NP_054860.1, residues 738-758): DPKYYCNCDA[Asp748Gly]YKQWRKDAGF